The following is an entry in ClinVar:

ClinVar aggregate classification (germline): Uncertain significance. Review status: criteria provided, multiple submitters, no conflicts (2 of 4 stars). 2 submissions from 2 submitters: Uncertain significance (2). Last evaluated 2022-05-22.

Conditions:
Blepharophimosis, ptosis, and epicanthus inversus syndrome. Identifiers: Orphanet 126, MedGen C0220663, MONDO:0007201, OMIM 110100.

Submissions (2):

3billion
Classification: Uncertain significance for Blepharophimosis, ptosis, and epicanthus inversus syndrome. Last evaluated: 2022-05-22. Review status: criteria provided, single submitter. Criteria: ACMG Guidelines, 2015. Collection method: clinical testing. Allele origin: germline. Affected: yes. Observed: 1 heterozygote.
Comment: The variant is not observed in the gnomAD v2.1.1 dataset. Same nucleotide change resulting in same amino acid change has been previously reported to be associated with FOXL2 related disorder (PMID: 22159675). However, the evidence of pathogenicity is insufficient at this time. Therefore, this variant is classified as uncertain significanceaccording to the recommendation of ACMG/AMP guideline.

Genomic Diagnostic Laboratory, Division of Genomic Diagnostics, Children's Hospital of Philadelphia
Classification: Uncertain significance for Blepharophimosis, ptosis, and epicanthus inversus syndrome. Last evaluated: 2016-11-03. Review status: criteria provided, single submitter. Criteria: DGD Variant Analysis Guidelines. Collection method: clinical testing. Allele origin: germline. Affected: yes. Observed: 1 variant allele.
Comment: Clinical Testing

Literature cited by the submitters: PubMed 22159675 (cited by 3billion).

NM_023067.4(FOXL2):c.578A>G (p.Lys193Arg)

Gene: FOXL2 (forkhead box L2; minus strand). Cytogenetic location: 3q22.3.
Variant type: single nucleotide variant.
Coding change: c.578A>G on transcript NM_023067.4 (MANE Select); coding-DNA position 578, A replaced by G.
Protein change: p.Lys193Arg; replaces lysine 193 with arginine.
Molecular consequence: missense variant.
Genome position (GRCh38, 1-based): chr3:138,946,145, T>C on the plus strand (A>G on the coding strand, the complement: FOXL2 is on the minus strand). VCF-style: chr3-138946145-T-C. GRCh37 (hg19) VCF-style: chr3-138664987-T-C.
Other names: short protein forms K193R.
Identifiers: ClinVar variation 369913 (VCV000369913.2), dbSNP rs1057516162, ClinGen allele CA10654881.
Genomic context (GRCh38, chr3:138,946,145, plus strand): 5'-ATGGGTGAGGGAGGCTGCGGTAGCGGCCACGAGTTGTTGAGGAAGCCAGACTGCAGGTAC[T>C]TGGGGGGCGCCAGGTAGCCGTAGCCGTCGGCCCCGGCGCCCGCCACGCCGCACCCGCCTG-3'
Protein context (NP_075555.1, residues 183-203): ADGYGYLAPP[Lys193Arg]YLQSGFLNNS